The following is an entry in ClinVar:

NM_000238.4(KCNH2):c.1790A>G (p.Tyr597Cys)

Gene: KCNH2 (potassium voltage-gated channel subfamily H member 2; minus strand). Cytogenetic location: 7q36.1.
Variant type: single nucleotide variant.
Coding change: c.1790A>G on transcript NM_000238.4 (MANE Select); coding-DNA position 1790, A replaced by G.
Protein change: p.Tyr597Cys; replaces tyrosine 597 with cysteine.
Molecular consequence: missense variant.
Genome position (GRCh38, 1-based): chr7:150,951,603, T>C on the plus strand (A>G on the coding strand, the complement: KCNH2 is on the minus strand). VCF-style: chr7-150951603-T-C. GRCh37 (hg19) VCF-style: chr7-150648691-T-C.
Other names: c.1790A>G (LRG_288t1); c.770A>G, p.Tyr257Cys (NM_001204798.2, NM_172057.3); c.1502A>G, p.Tyr501Cys (NM_001406753.1, NM_001406756.1); c.1613A>G, p.Tyr538Cys (NM_001406755.1); c.1490A>G, p.Tyr497Cys (NM_001406757.1); c.1790A>G, p.Tyr597Cys (NM_172056.3); short protein forms Y257C, Y597C, Y501C, Y538C, Y497C.
Identifiers: ClinVar variation 67277 (VCV000067277.7), dbSNP rs199472934, ClinGen allele CA005509.

ClinVar aggregate classification (germline): Pathogenic/Likely pathogenic. Review status: criteria provided, multiple submitters, no conflicts (2 of 4 stars). 3 submissions from 3 submitters: Pathogenic (1); Likely pathogenic (1). 1 of the submissions does not count toward it. Last evaluated 2025-08-29.

Conditions:
Familial long QT syndrome (RWS). Also called: Congenital long QT syndrome; Romano-Ward syndrome; VENTRICULAR FIBRILLATION WITH PROLONGED QT INTERVAL. Identifiers: Orphanet 768, MedGen C1141890, MONDO:0019171.
Long QT syndrome (LQTS). Identifiers: MedGen C0023976, MeSH D008133, MONDO:0002442. Disease mechanism: loss of function. Inheritance: Various modes of inheritance.

Submissions (3):

Labcorp Genetics (formerly Invitae), Labcorp
Classification: Pathogenic for Long QT syndrome. Last evaluated: 2025-08-29. Review status: criteria provided, single submitter. Criteria: Invitae Variant Classification Sherloc (09022015). Collection method: clinical testing. Allele origin: germline.
Comment: This sequence change replaces tyrosine, which is neutral and polar, with cysteine, which is neutral and slightly polar, at codon 597 of the KCNH2 protein (p.Tyr597Cys). This variant is not present in population databases (gnomAD no frequency). This missense change has been observed in individuals with clinical features of long QT syndrome (PMID: 19716085; internal data). It has also been observed to segregate with disease in related individuals. ClinVar contains an entry for this variant (Variation ID: 67277). An algorithm developed to predict the effect of missense changes on protein structure and function (PolyPhen-2) suggests that this variant is likely to be disruptive. Experimental studies have shown that this missense change affects KCNH2 function (PMID: 12407082, 25417810). For these reasons, this variant has been classified as Pathogenic.

GeneDx
Classification: Likely pathogenic. Last evaluated: 2015-11-12. Review status: criteria provided, single submitter. Criteria: GeneDx Variant Classification (06012015). Collection method: clinical testing. Allele origin: germline. Affected: yes.
Comment: The Y597C likely pathogenic variant in the KCNH2 gene has been reported previously in one individual referred for LQTS genetic testing, and was absent from 2,600 control alleles (Kapplinger et al., 2009). Additionally, Y597C was observed in other unrelated individuals referred for LQTS genetic testing at GeneDx and was classified in ClinVar as a variant of uncertain significance by another clinical laboratory (Landrum et al., 2014). The Y597C variant was not observed in approximately 6,500 individuals of European and African American ancestry in the NHLBI Exome Sequencing Project, indicating it is not a common benign variant in these populations. The Y597C variant is a non-conservative amino acid substitution, which is likely to impact secondary protein structure as these residues differ in polarity, charge, size and/or other properties. In addition, this substitution occurs at a position that is conserved across species. Furthermore, functional studies show that the Y597C variant results in deficient protein trafficking (Anderson et al., 2014). Therefore, this variant is likely pathogenic.

Cardiovascular Biomedical Research Unit, Royal Brompton & Harefield NHS Foundation Trust
No classification provided. Condition: Familial long QT syndrome. Review status: no classification provided. Collection method: literature only. Allele origin: germline. Not counted in ClinVar's aggregate classification.
Comment: This variant has been reported as associated with Long QT syndrome in the following publications (PMID:19716085). This is a literature report, and does not necessarily reflect the clinical interpretation of the Imperial College / Royal Brompton Cardiovascular Genetics laboratory.

Literature cited by the submitters: PubMed 19716085 (cited by Labcorp Genetics (formerly Invitae), Labcorp and Cardiovascular Biomedical Research Unit, Royal Brompton & Harefield NHS Foundation Trust); PubMed 12407082 (cited by Labcorp Genetics (formerly Invitae), Labcorp); PubMed 25417810 (cited by Labcorp Genetics (formerly Invitae), Labcorp); PubMed 22581653 (cited by Cardiovascular Biomedical Research Unit, Royal Brompton & Harefield NHS Foundation Trust).